The following is an entry in ClinVar:

NM_000369.5(TSHR):c.1582C>A (p.Arg528Ser)

Genes: TSHR (thyroid stimulating hormone receptor; plus strand), TSHR-AS1 (TSHR antisense RNA 1; minus strand). Cytogenetic location: 14q31.1.
Variant type: single nucleotide variant.
Coding change: c.1582C>A on transcript NM_000369.5 (MANE Select); coding-DNA position 1582, C replaced by A.
Protein change: p.Arg528Ser; replaces arginine 528 with serine.
Molecular consequence: missense variant.
Genome position (GRCh38, 1-based): chr14:81,143,640, C>A. VCF-style: chr14-81143640-C-A. GRCh37 (hg19) VCF-style: chr14-81609984-C-A.
Other names: short protein forms R528S.
Identifiers: ClinVar variation 3576837 (VCV003576837.2).

ClinVar aggregate classification (germline): Likely pathogenic. Review status: criteria provided, multiple submitters, no conflicts (2 of 4 stars). 2 submissions from 2 submitters: Likely pathogenic (2). Last evaluated 2026-09-04.

Conditions:
Familial gestational hyperthyroidism. Identifiers: Orphanet 99819, MedGen C1863959, MONDO:0011309, OMIM 603373.
Hypothyroidism due to TSH receptor mutations. Also called: Hypothyroidism, congenital, nongoitrous, 1; HYPOTHYROIDISM DUE TO UNRESPONSIVENESS TO THYROTROPIN; HYPOTHYROIDISM, CONGENITAL, DUE TO TSH RESISTANCE; HYPOTHYROIDISM, NONAUTOIMMUNE; THYROID-STIMULATING HORMONE, RESISTANCE TO; TSH RESISTANCE. Identifiers: Orphanet 90673, MedGen C3493776, MONDO:0010142, OMIM 275200.
Familial hyperthyroidism due to mutations in TSH receptor. Also called: HYPERTHYROIDISM, CONGENITAL NONAUTOIMMUNE; HYPERTHYROIDISM, NONAUTOIMMUNE, AUTOSOMAL DOMINANT; TOXIC THYROID HYPERPLASIA, AUTOSOMAL DOMINANT. Identifiers: Orphanet 424, MedGen C1836706, MONDO:0012203, OMIM 609152.
TSHR-related disorder. Also called: TSHR-related disorders; TSHR-related condition.

Submissions (2):

PreventionGenetics, part of Exact Sciences
Classification: Likely pathogenic for TSHR-related condition. Last evaluated: 2026-09-04. Review status: criteria provided, single submitter. Criteria: ACMG Guidelines, 2015. Collection method: clinical testing. Allele origin: germline.
Comment: The TSHR c.1582C>A variant is predicted to result in the amino acid substitution p.Arg528Ser. This variant has been reported in the heterozygous and compound state and with another TSHR variant in multiple individuals with congenital hypothyroidism (Wang et al. 2017. PubMed ID: 28455095; Fang et al. 2019. PubMed ID: 31356790; Wang et al. 2020. PubMed ID: 32319661; Supplement Table 2, Zhang et al. 2021. PubMed ID: 34374102; Table S1, Wang et al. 2020. PubMed ID: 32425884; Table S1, Zhang et al. 2023. PubMed ID: 37390946). In vitro experimental studies using 293T cells suggests this variant does not change Gs/cAMP signaling activity, but decreases Gq/11 signaling activity (Fang et al. 2019. PubMed ID: 31356790). An alternate missense change at the same amino acid position (c.1582C>T, p.Arg528Cys) has been reported to be pathogenic for TSHR-related conditions (see for example: Tanaka et al. 2020. PubMed ID: 32469330; Kara et al. 2023. PubMed ID: 36913313; Qiu et al. 2016. PubMed ID: 26864598). This variant has not been reported in a large population database (gnomAD), indicating this variant is rare. This variant is interpreted as likely pathogenic.

Fulgent Genetics
Classification: Likely pathogenic for Hypothyroidism due to TSH receptor mutations; Familial gestational hyperthyroidism; Familial hyperthyroidism due to mutations in TSH receptor. Last evaluated: 2024-01-09. Review status: criteria provided, single submitter. Criteria: ACMG Guidelines, 2015. Collection method: clinical testing. Allele origin: germline.